The following is an entry in ClinVar:

NM_002439.5(MSH3):c.2320A>G (p.Thr774Ala)

Gene: MSH3 (mutS homolog 3; plus strand). Cytogenetic location: 5q14.1.
Variant type: single nucleotide variant.
Coding change: c.2320A>G on transcript NM_002439.5 (MANE Select); coding-DNA position 2320, A replaced by G.
Protein change: p.Thr774Ala; replaces threonine 774 with alanine.
Molecular consequence: missense variant.
Genome position (GRCh38, 1-based): chr5:80,778,721, A>G. VCF-style: chr5-80778721-A-G. GRCh37 (hg19) VCF-style: chr5-80074540-A-G.
Other names: short protein forms T774A.
Identifiers: ClinVar variation 649120 (VCV000649120.16), dbSNP rs1287961338, ClinGen allele CA360281701.

ClinVar aggregate classification (germline): Uncertain significance. Review status: criteria provided, multiple submitters, no conflicts (2 of 4 stars). 4 submissions from 4 submitters: Uncertain significance (4). Last evaluated 2026-01-21.

Conditions:
Hereditary cancer-predisposing syndrome. Also called: Neoplastic Syndromes, Hereditary; Tumor predisposition; Hereditary Cancer Syndrome; Hereditary neoplastic syndrome. Identifiers: Orphanet 140162, MedGen C0027672, MeSH D009386, MONDO:0015356.
Endometrial carcinoma. Also called: Endometrial carcinoma, somatic. Identifiers: MedGen C0476089, MONDO:0002447, OMIM 608089, HP:0012114.

Allele frequency attached by ClinVar (database versions not stated): TOPMed below 0.00001; gnomAD exomes 0.00001.
gnomAD v4.1: 6 of 1,585,358 alleles (0.00038%); highest among the groups gnomAD compares: Admixed American, 0.0017%; no homozygotes.

Submissions (4):

Labcorp Genetics (formerly Invitae), Labcorp
Classification: Uncertain significance. Last evaluated: 2026-01-21. Review status: criteria provided, single submitter. Criteria: Invitae Variant Classification Sherloc (09022015). Collection method: clinical testing. Allele origin: germline.
Comment: This sequence change replaces threonine, which is neutral and polar, with alanine, which is neutral and non-polar, at codon 774 of the MSH3 protein (p.Thr774Ala). This variant is present in population databases (no rsID available, gnomAD 0.006%). This variant has not been reported in the literature in individuals affected with MSH3-related conditions. ClinVar contains an entry for this variant (Variation ID: 649120). An algorithm developed to predict the effect of missense changes on protein structure and function (PolyPhen-2) suggests that this variant is likely to be disruptive. In summary, the available evidence is currently insufficient to determine the role of this variant in disease. Therefore, it has been classified as a Variant of Uncertain Significance.

Ambry Genetics
Classification: Uncertain significance for Hereditary cancer-predisposing syndrome. Last evaluated: 2025-08-11. Review status: criteria provided, single submitter. Criteria: Ambry Variant Classification Scheme 2023. Collection method: clinical testing. Allele origin: germline.

Baylor Genetics
Classification: Uncertain significance for Endometrial carcinoma. Last evaluated: 2024-03-27. Review status: criteria provided, single submitter. Criteria: ACMG Guidelines, 2015. Collection method: clinical testing. Allele origin: unknown.

Sema4
Classification: Uncertain significance for Hereditary cancer-predisposing syndrome. Last evaluated: 2021-07-27. Review status: criteria provided, single submitter. Criteria: Sema4 Curation Guidelines. Collection method: curation. Allele origin: germline.
Comment: The MSH3 c.2320A>G (p.T774A) variant has not been reported in the literature to our knowledge. It was observed in 2/34586 chromosomes of the Latino subpopulation in the large and broad cohorts of the Genome Aggregation Database (PMID: 32461654). The variant has been reported in ClinVar (Variation ID 649120). In silico tools suggest the impact of the variant on protein function is deleterious, though these predictions have not been confirmed by functional studies. The evidence is insufficient to meet ACMG/AMP criteria for classifying the variant as benign or pathogenic. Thus, the clinical significance of this variant is currently uncertain.